The following is an entry in ClinVar:

ClinVar aggregate classification (germline): Benign (1 of 4 stars; one submission).

Conditions:
Maturity-onset diabetes of the young type 6 (MODY6). Identifiers: Orphanet 552, MedGen C1853371, MONDO:0011668, OMIM 606394.

Allele frequency attached by ClinVar (database versions not stated): gnomAD 0.00011 and 0.00064; TOPMed 0.00019; 1000 Genomes Project 30x 0.00344; 1000 Genomes Project 0.00359.

Submission:

Illumina Laboratory Services, Illumina
Classification: Benign for Maturity-onset diabetes of the young type 6. Last evaluated: 2018-01-13. Review status: criteria provided, single submitter. Criteria: ICSL Variant Classification Criteria 13 December 2019. Collection method: clinical testing. Allele origin: germline.
Comment: This variant was observed in the ICSL laboratory as part of a predisposition screen in an ostensibly healthy population. It had not been previously curated by ICSL or reported in the Human Gene Mutation Database (HGMD: prior to June 1st, 2018), and was therefore a candidate for classification through an automated scoring system. Utilizing variant allele frequency, disease prevalence and penetrance estimates, and inheritance mode, an automated score was calculated to assess if this variant is too frequent to cause the disease. Based on the score and internal cut-off values, a variant classified as benign is not then subjected to further curation. The score for this variant resulted in a classification of benign for this disease.

NM_002500.5(NEUROD1):c.*1033T>G

Gene: NEUROD1 (neuronal differentiation 1; minus strand). Cytogenetic location: 2q31.3.
Variant type: single nucleotide variant.
Coding change: c.*1033T>G on transcript NM_002500.5 (MANE Select); 1033 bases downstream of the stop codon, T replaced by G.
Molecular consequence: 3 prime UTR variant.
Genome position (GRCh38, 1-based): chr2:181,676,757, A>C on the plus strand (T>G on the coding strand, the complement: NEUROD1 is on the minus strand). VCF-style: chr2-181676757-A-C. GRCh37 (hg19) VCF-style: chr2-182541484-A-C.
Identifiers: ClinVar variation 333022 (VCV000333022.5), dbSNP rs555224400, ClinGen allele CA10613187.
Genomic context (GRCh38, chr2:181,676,757, plus strand): 5'-ATAGATATAAATCCCAACATTAACAACCTGATTAGATTTAGGCTCAGATTTATTACATGA[A>C]TATATGACAAACCACCATTTTTGTGACTATGTATAAAATCATGCATTTATATTTTCTGGA-3'